The following is an entry in ClinVar:

NM_000719.7(CACNA1C):c.206G>A (p.Gly69Asp)

Gene: CACNA1C (calcium voltage-gated channel subunit alpha1 C; plus strand). Cytogenetic location: 12p13.33.
Variant type: single nucleotide variant.
Coding change: c.206G>A on transcript NM_000719.7 (MANE Select); coding-DNA position 206, G replaced by A.
Protein change: p.Gly69Asp; replaces glycine 69 with aspartic acid.
Molecular consequence: missense variant.
Genome position (GRCh38, 1-based): chr12:2,115,380, G>A. VCF-style: chr12-2115380-G-A. GRCh37 (hg19) VCF-style: chr12-2224546-G-A.
Other names: c.206G>A, p.Gly69Asp (NM_001129830.3, NM_001129831.2, NM_001129832.2 and 19 more transcripts); short protein forms G69D.
Identifiers: ClinVar variation 2099432 (VCV002099432.4), dbSNP rs2547566905, ClinGen allele CA383653152.
Genomic context (GRCh38, chr12:2,115,380, plus strand): 5'-CCCTGTCGTGGCAGGCGGCCATCGACGCAGCCCGGCAGGCTAAGCTGATGGGCAGCGCTG[G>A]CAATGCGACCATCTCCACAGTCAGCTCCACGCAGCGGAAGCGGCAGCAATATGGGAAACC-3'
Protein context (NP_000710.5, residues 59-79): ARQAKLMGSA[Gly69Asp]NATISTVSST

ClinVar aggregate classification (germline): Uncertain significance (1 of 4 stars; one submission).

Conditions:
Long QT syndrome (LQTS). Identifiers: MedGen C0023976, MeSH D008133, MONDO:0002442. Disease mechanism: loss of function. Inheritance: Various modes of inheritance.

Allele frequency attached by ClinVar (database versions not stated): gnomAD exomes below 0.00001.
gnomAD v4.1: 2 of 1,608,092 alleles (0.00012%); highest among the groups gnomAD compares: Non-Finnish European, 0.00017%; no homozygotes.

Submission:

Labcorp Genetics (formerly Invitae), Labcorp
Classification: Uncertain significance for Long QT syndrome. Last evaluated: 2023-12-21. Review status: criteria provided, single submitter. Criteria: Invitae Variant Classification Sherloc (09022015). Collection method: clinical testing. Allele origin: germline.
Comment: This sequence change replaces glycine, which is neutral and non-polar, with aspartic acid, which is acidic and polar, at codon 69 of the CACNA1C protein (p.Gly69Asp). This variant is not present in population databases (gnomAD no frequency). This variant has not been reported in the literature in individuals affected with CACNA1C-related conditions. ClinVar contains an entry for this variant (Variation ID: 2099432). Advanced modeling of protein sequence and biophysical properties (such as structural, functional, and spatial information, amino acid conservation, physicochemical variation, residue mobility, and thermodynamic stability) performed at Invitae indicates that this missense variant is not expected to disrupt CACNA1C protein function with a negative predictive value of 95%. In summary, the available evidence is currently insufficient to determine the role of this variant in disease. Therefore, it has been classified as a Variant of Uncertain Significance.